The following is an entry in ClinVar:

ClinVar aggregate classification (germline): Uncertain significance (1 of 4 stars; one submission).

Conditions:
Left ventricular noncompaction 8 (LVNC8). Identifiers: Orphanet 154, Orphanet 54260, MedGen C3809288, MONDO:0014152, OMIM 615373.

gnomAD v4.1: 1 of 1,613,736 alleles (0.000062%); no homozygotes.

Submission:

Labcorp Genetics (formerly Invitae), Labcorp
Classification: Uncertain significance for Left ventricular noncompaction 8. Last evaluated: 2023-09-26. Review status: criteria provided, single submitter. Criteria: Invitae Variant Classification Sherloc (09022015). Collection method: clinical testing. Allele origin: germline.
Comment: This sequence change replaces alanine, which is neutral and non-polar, with threonine, which is neutral and polar, at codon 175 of the PRDM16 protein (p.Ala175Thr). This variant is not present in population databases (gnomAD no frequency). This variant has not been reported in the literature in individuals affected with PRDM16-related conditions. An algorithm developed to predict the effect of missense changes on protein structure and function (PolyPhen-2) suggests that this variant is likely to be disruptive. In summary, the available evidence is currently insufficient to determine the role of this variant in disease. Therefore, it has been classified as a Variant of Uncertain Significance.

NM_022114.4(PRDM16):c.523G>A (p.Ala175Thr)

Gene: PRDM16 (PR/SET domain 16; plus strand). Cytogenetic location: 1p36.32.
Variant type: single nucleotide variant.
Coding change: c.523G>A on transcript NM_022114.4 (MANE Select); coding-DNA position 523, G replaced by A.
Protein change: p.Ala175Thr; replaces alanine 175 with threonine.
Molecular consequence: missense variant.
Genome position (GRCh38, 1-based): chr1:3,385,236, G>A. VCF-style: chr1-3385236-G-A. GRCh37 (hg19) VCF-style: chr1-3301800-G-A.
Other names: c.523G>A, p.Ala175Thr (NM_199454.3); short protein forms A175T.
Identifiers: ClinVar variation 2847592 (VCV002847592.3), dbSNP rs1440344671, ClinGen allele CA338000673.